The following is an entry in ClinVar:

NM_031407.7(HUWE1):c.10513C>T (p.Pro3505Ser)

Gene: HUWE1 (HECT, UBA and WWE domain containing E3 ubiquitin protein ligase 1; minus strand). Cytogenetic location: Xp11.22.
Variant type: single nucleotide variant.
Coding change: c.10513C>T on transcript NM_031407.7 (MANE Select); coding-DNA position 10513, C replaced by T.
Protein change: p.Pro3505Ser; replaces proline 3505 with serine.
Molecular consequence: missense variant.
Genome position (GRCh38, 1-based): chrX:53,547,796, G>A on the plus strand (C>T on the coding strand, the complement: HUWE1 is on the minus strand). VCF-style: chrX-53547796-G-A. GRCh37 (hg19) VCF-style: chrX-53574757-G-A.
Other names: short protein forms P3505S.
Identifiers: ClinVar variation 2577568 (VCV002577568.2), dbSNP rs2061609944, ClinGen allele CA413135423.

ClinVar aggregate classification (germline): Uncertain significance. Review status: criteria provided, multiple submitters, no conflicts (2 of 4 stars). 2 submissions from 2 submitters: Uncertain significance (2). Last evaluated 2025-10-02.

Conditions:
Inborn genetic diseases. Identifiers: MedGen C0950123, MeSH D030342.

Allele frequency attached by ClinVar (database versions not stated): gnomAD exomes below 0.00001; TOPMed below 0.00001; gnomAD 0.00001.
gnomAD v4.1: 2 of 1,199,358 alleles (0.00017%); highest among the groups gnomAD compares: Non-Finnish European, 0.00022%; no homozygotes.

Submissions (2):

Ambry Genetics
Classification: Uncertain significance for Inborn genetic diseases. Last evaluated: 2025-10-02. Review status: criteria provided, single submitter. Criteria: Ambry Variant Classification Scheme 2023. Collection method: clinical testing. Allele origin: germline.

GeneDx
Classification: Uncertain significance. Last evaluated: 2023-02-27. Review status: criteria provided, single submitter. Criteria: GeneDx Variant Classification Process June 2021. Collection method: clinical testing. Allele origin: germline. Affected: yes.
Comment: Not observed at significant frequency in large population cohorts (gnomAD); In silico analysis supports that this missense variant does not alter protein structure/function; Has not been previously published as pathogenic or benign to our knowledge